The following is an entry in ClinVar:

NM_001368894.2(PAX6):c.260G>A (p.Gly87Asp)

Gene: PAX6 (paired box 6; minus strand). Cytogenetic location: 11p13.
Variant type: single nucleotide variant.
Coding change: c.260G>A on transcript NM_001368894.2 (MANE Select); coding-DNA position 260, G replaced by A.
Protein change: p.Gly87Asp; replaces glycine 87 with aspartic acid.
Molecular consequence: missense variant. On other transcripts: 5 prime UTR variant (14), non-coding transcript variant (2), intron variant (8).
Genome position (GRCh38, 1-based): chr11:31,801,700, C>T on the plus strand (G>A on the coding strand, the complement: PAX6 is on the minus strand). VCF-style: chr11-31801700-C-T. GRCh37 (hg19) VCF-style: chr11-31823248-C-T.
Other names: c.218G>A, p.Gly73Asp (NM_000280.6, NM_001127612.3, NM_001258464.2 and 10 more transcripts); c.260G>A, p.Gly87Asp (NM_001258462.3, NM_001258463.2, NM_001310158.2 and 6 more transcripts); c.-522G>A (NM_001310160.2, NM_001368902.2, NM_001368905.2); c.-191G>A (NM_001310161.3, NM_001368899.2, NM_001368900.2 and 8 more transcripts); c.461G>A, p.Gly154Asp (NM_001368910.2); c.263G>A, p.Gly88Asp (NM_001368911.2); c.335G>A, p.Gly112Asp (NM_001368918.2, NM_001368919.2); c.293G>A, p.Gly98Asp (NM_001368920.2); and 2 more; short protein forms G112D, G154D, G73D, G87D, G88D, G98D.
Identifiers: ClinVar variation 1684503 (VCV001684503.6), dbSNP rs2135097306, ClinGen allele CA379958851.

ClinVar aggregate classification (germline): Conflicting classifications of pathogenicity. Review status: criteria provided, conflicting classifications (1 of 4 stars). 2 submissions from 2 submitters: Likely pathogenic (1); Uncertain significance (1). Last evaluated 2024-01-08.

Conditions:
Irido-corneo-trabecular dysgenesis (ASGD5). Also called: ANTERIOR SEGMENT DYSGENESIS 5. Identifiers: Orphanet 708, MedGen C0344559, MONDO:0011414, OMIM 604229, HP:0000659.
Aniridia 1 (AN1). Identifiers: Orphanet 250923, MedGen C0344542, MONDO:0024507, OMIM 106210.

Submissions (2):

Labcorp Genetics (formerly Invitae), Labcorp
Classification: Likely pathogenic for Aniridia 1; Irido-corneo-trabecular dysgenesis. Last evaluated: 2024-01-08. Review status: criteria provided, single submitter. Criteria: Invitae Variant Classification Sherloc (09022015). Collection method: clinical testing. Allele origin: germline.
Comment: This sequence change replaces glycine, which is neutral and non-polar, with aspartic acid, which is acidic and polar, at codon 73 of the PAX6 protein (p.Gly73Asp). This variant is not present in population databases (gnomAD no frequency). This missense change has been observed in individual(s) with aniridia (PMID: 12552561). ClinVar contains an entry for this variant (Variation ID: 1684503). Advanced modeling of protein sequence and biophysical properties (such as structural, functional, and spatial information, amino acid conservation, physicochemical variation, residue mobility, and thermodynamic stability) performed at Invitae indicates that this missense variant is expected to disrupt PAX6 protein function with a positive predictive value of 80%. Experimental studies are conflicting or provide insufficient evidence to determine the effect of this variant on PAX6 function (PMID: 12552561). In summary, the currently available evidence indicates that the variant is pathogenic, but additional data are needed to prove that conclusively. Therefore, this variant has been classified as Likely Pathogenic.

HudsonAlpha Institute for Biotechnology
Classification: Uncertain significance for Irido-corneo-trabecular dysgenesis. Last evaluated: 2021-10-18. Review status: criteria provided, single submitter. Criteria: ACMG Guidelines, 2015. Collection method: research. Allele origin: unknown. Observed: 1 variant allele. Study: HudsonAlpha-AGHI-WGS.
Comment: ACMG codes: PM2, PP3

Literature cited by the submitters: PubMed 12552561 (cited by Labcorp Genetics (formerly Invitae), Labcorp).